The following is an entry in ClinVar:

ClinVar aggregate classification (germline): Conflicting classifications of pathogenicity. Review status: criteria provided, conflicting classifications (1 of 4 stars). 3 submissions from 3 submitters: Uncertain significance (2); Likely benign (1). Last evaluated 2024-03-06.

Conditions:
Hereditary cancer-predisposing syndrome. Also called: Neoplastic Syndromes, Hereditary; Tumor predisposition; Hereditary Cancer Syndrome; Hereditary neoplastic syndrome. Identifiers: Orphanet 140162, MedGen C0027672, MeSH D009386, MONDO:0015356.

gnomAD v4.1: 1 of 1,606,184 alleles (0.000062%); highest among the groups gnomAD compares: Non-Finnish European, 0.000085%; no homozygotes.

Submissions (3):

Color Diagnostics, LLC DBA Color Health
Classification: Uncertain significance for Hereditary cancer-predisposing syndrome. Last evaluated: 2024-03-06. Review status: criteria provided, single submitter. Criteria: ACMG Guidelines, 2015. Collection method: clinical testing. Allele origin: germline.
Comment: This missense variant replaces lysine with glutamine at codon 280 of the BRCA2 protein. Computational prediction suggests that this variant may not impact protein structure and function (internally defined REVEL score threshold <= 0.5, PMID: 27666373). Splice site prediction tools suggest that this variant may not impact RNA splicing. To our knowledge, functional studies have not been performed for this variant. This variant has not been reported in individuals affected with hereditary cancer in the literature. This variant has not been identified in the general population by the Genome Aggregation Database (gnomAD). The available evidence is insufficient to determine the role of this variant in disease conclusively. Therefore, this variant is classified as a Variant of Uncertain Significance.

Ambry Genetics
Classification: Uncertain significance for Hereditary cancer-predisposing syndrome. Last evaluated: 2023-08-11. Review status: criteria provided, single submitter. Criteria: Ambry Variant Classification Scheme 2023. Collection method: clinical testing. Allele origin: germline.
Comment: The p.K280Q variant (also known as c.838A>C), located in coding exon 9 of the BRCA2 gene, results from an A to C substitution at nucleotide position 838. The lysine at codon 280 is replaced by glutamine, an amino acid with similar properties. This amino acid position is conserved. In addition, this alteration is predicted to be tolerated by in silico analysis. Since supporting evidence is limited at this time, the clinical significance of this alteration remains unclear.

University of Washington Department of Laboratory Medicine, University of Washington
Classification: Likely benign for Hereditary cancer-predisposing syndrome. Last evaluated: 2023-03-23. Review status: criteria provided, single submitter. Criteria: Dines et al. (Genet Med. 2020). Collection method: curation. Allele origin: germline.
Comment: Missense variant in a coldspot region where missense variants are very unlikely to be pathogenic (PMID:31911673).

BRCA2 exon 10 coldspot. Reclassification based on statistical prior probability.

NM_000059.4(BRCA2):c.838A>C (p.Lys280Gln)

Gene: BRCA2 (BRCA2 DNA repair associated; plus strand). Cytogenetic location: 13q13.1.
Variant type: single nucleotide variant.
Coding change: c.838A>C on transcript NM_000059.4 (MANE Select); coding-DNA position 838, A replaced by C.
Protein change: p.Lys280Gln; replaces lysine 280 with glutamine.
Molecular consequence: missense variant.
Genome position (GRCh38, 1-based): chr13:32,332,316, A>C. VCF-style: chr13-32332316-A-C. GRCh37 (hg19) VCF-style: chr13-32906453-A-C.
Other names: short protein forms K280Q.
Identifiers: ClinVar variation 925912 (VCV000925912.8), dbSNP rs80359085, ClinGen allele CA387760484.
Genomic context (GRCh38, chr13:32,332,316, plus strand): 5'-TTTTATACTTTAACAGGATTTGGAAAAACATCAGGGAATTCATTTAAAGTAAATAGCTGC[A>C]AAGACCACATTGGAAAGTCAATGCCAAATGTCCTAGAAGATGAAGTATATGAAACAGTTG-3'
Protein context (NP_000050.3, residues 270-290): SGNSFKVNSC[Lys280Gln]DHIGKSMPNV